The following is an entry in ClinVar:

ClinVar aggregate classification (germline): Pathogenic. Review status: criteria provided, single submitter (1 of 4 stars). 2 submissions from 2 submitters: Pathogenic (1). 1 of the submissions does not count toward it. Last evaluated 2025-09-25.

Conditions:
Autosomal recessive nonsyndromic hearing loss 2. Also called: NEUROSENSORY NONSYNDROMIC RECESSIVE DEAFNESS 2; DEAFNESS, AUTOSOMAL RECESSIVE 2. Identifiers: Orphanet 90636, MedGen C1838701, MONDO:0010807, OMIM 600060.
Usher syndrome type 1 (USH1). Also called: RETINITIS PIGMENTOSA AND CONGENITAL DEAFNESS. Identifiers: Orphanet 231169, Orphanet 886, MedGen C1568247, MONDO:0010168, OMIM 276900.

Allele frequency attached by ClinVar (database versions not stated): TOPMed below 0.00001.

Submissions (2):

Labcorp Genetics (formerly Invitae), Labcorp
Classification: Pathogenic. Last evaluated: 2025-09-25. Review status: criteria provided, single submitter. Criteria: Invitae Variant Classification Sherloc (09022015). Collection method: clinical testing. Allele origin: germline.
Comment: This sequence change affects a donor splice site in intron 12 of the MYO7A gene. It is expected to disrupt RNA splicing. Variants that disrupt the donor or acceptor splice site typically lead to a loss of protein function (PMID: 16199547), and loss-of-function variants in MYO7A are known to be pathogenic (PMID: 8900236, 25404053). This variant is not present in population databases (gnomAD no frequency). Disruption of this splice site has been observed in individual(s) with Usher syndrome (PMID: 24831256, 38594301). In at least one individual the data is consistent with being in trans (on the opposite chromosome) from a pathogenic variant. It has also been observed to segregate with disease in related individuals. ClinVar contains an entry for this variant (Variation ID: 550186). Algorithms developed to predict the effect of sequence changes on RNA splicing suggest that this variant may disrupt the consensus splice site. For these reasons, this variant has been classified as Pathogenic.

Counsyl
Classification: Likely pathogenic for Usher syndrome type 1; Autosomal recessive nonsyndromic hearing loss 2. Last evaluated: 2017-01-04. Review status: no assertion criteria provided. Collection method: clinical testing. Allele origin: unknown. Not counted in ClinVar's aggregate classification.

Literature cited by the submitters: PubMed 16199547 (cited by Labcorp Genetics (formerly Invitae), Labcorp); PubMed 8900236 (cited by Labcorp Genetics (formerly Invitae), Labcorp); PubMed 25404053 (cited by Labcorp Genetics (formerly Invitae), Labcorp); PubMed 24831256 (cited by Labcorp Genetics (formerly Invitae), Labcorp and Counsyl); PubMed 38594301 (cited by Labcorp Genetics (formerly Invitae), Labcorp).

NM_000260.4(MYO7A):c.1343+1G>A

Gene: MYO7A (myosin VIIA; plus strand). Cytogenetic location: 11q13.5.
Variant type: single nucleotide variant.
Coding change: c.1343+1G>A on transcript NM_000260.4 (MANE Select); the canonical splice donor site of the intron after coding-DNA position 1343, G replaced by A.
Molecular consequence: splice donor variant.
Genome position (GRCh38, 1-based): chr11:77,161,116, G>A. VCF-style: chr11-77161116-G-A. GRCh37 (hg19) VCF-style: chr11-76872162-G-A.
Other names: c.1310+1G>A (NM_001369365.1); c.1343+1G>A (NM_001127180.2).
Identifiers: ClinVar variation 550186 (VCV000550186.3), dbSNP rs914189193, ClinGen allele CA224830967.
Genomic context (GRCh38, chr11:77,161,116, plus strand): 5'-CTCTCGCAGGTCCATCGGCCTCCTGGACATCTTTGGGTTTGAGAACTTTGCTGTGAACAG[G>A]TACCGCGTGGGGCTCTGCTCATGGGAATTTCCTTCCCCAATATGGAAATAAGAAATATCA-3'